The following is an entry in ClinVar:

ClinVar aggregate classification (germline): Uncertain significance. Review status: criteria provided, multiple submitters, no conflicts (2 of 4 stars). 2 submissions from 2 submitters: Uncertain significance (2). Last evaluated 2023-08-23.

Conditions:
Singleton-Merten syndrome 1 (SGMRT1). Also called: Widened medullary cavities of bone, aortic calcification, abnormal dentition, and muscular weakness; Syndrome of widened medullary cavities of the metacarpals and phalanges, aortic calcification and abnormal dentition. Identifiers: Orphanet 85191, MedGen C4225427, MONDO:0024535, OMIM 182250.
Aicardi-Goutieres syndrome 7 (AGS7). Identifiers: Orphanet 51, MedGen C3888244, MONDO:0014367, OMIM 615846.

Allele frequency attached by ClinVar (database versions not stated): gnomAD exomes 0.00001.
gnomAD v4.1: 6 of 1,611,312 alleles (0.00037%); highest among the groups gnomAD compares: Non-Finnish European, 0.00051%; no homozygotes.

Submissions (2):

Blueprint Genetics
Classification: Uncertain significance. Last evaluated: 2023-08-23. Review status: criteria provided, single submitter. Criteria: ACMG Guidelines, 2015. Collection method: clinical testing. Allele origin: germline.

Labcorp Genetics (formerly Invitae), Labcorp
Classification: Uncertain significance for Aicardi-Goutieres syndrome 7; Singleton-Merten syndrome 1. Last evaluated: 2023-03-26. Review status: criteria provided, single submitter. Criteria: Invitae Variant Classification Sherloc (09022015). Collection method: clinical testing. Allele origin: germline.
Comment: In summary, the available evidence is currently insufficient to determine the role of this variant in disease. Therefore, it has been classified as a Variant of Uncertain Significance. Advanced modeling of protein sequence and biophysical properties (such as structural, functional, and spatial information, amino acid conservation, physicochemical variation, residue mobility, and thermodynamic stability) has been performed at Invitae for this missense variant, however the output from this modeling did not meet the statistical confidence thresholds required to predict the impact of this variant on IFIH1 protein function. ClinVar contains an entry for this variant (Variation ID: 1016509). This variant has not been reported in the literature in individuals affected with IFIH1-related conditions. This variant is not present in population databases (gnomAD no frequency). This sequence change replaces glutamine, which is neutral and polar, with arginine, which is basic and polar, at codon 378 of the IFIH1 protein (p.Gln378Arg).

NM_022168.4(IFIH1):c.1133A>G (p.Gln378Arg)

Gene: IFIH1 (interferon induced with helicase C domain 1; minus strand). Cytogenetic location: 2q24.2.
Variant type: single nucleotide variant.
Coding change: c.1133A>G on transcript NM_022168.4 (MANE Select); coding-DNA position 1133, A replaced by G.
Protein change: p.Gln378Arg; replaces glutamine 378 with arginine.
Molecular consequence: missense variant.
Genome position (GRCh38, 1-based): chr2:162,282,539, T>C on the plus strand (A>G on the coding strand, the complement: IFIH1 is on the minus strand). VCF-style: chr2-162282539-T-C. GRCh37 (hg19) VCF-style: chr2-163139049-T-C.
Other names: short protein forms Q378R.
Identifiers: ClinVar variation 1016509 (VCV001016509.9), dbSNP rs1682830281, ClinGen allele CA349003095.
Genomic context (GRCh38, chr2:162,282,539, plus strand): 5'-ATTTTCAGTTGGGTATCACCACTTAATCCAATAACACGATACCATTTCTTCAAAAATGGT[T>C]GGAACTCCTTGCGGAAGAGCTGTTCAACTAGCAGTACCTTAAAAAAATGTGAAGATTTTT-3'
Protein context (NP_071451.2, residues 368-388): LVEQLFRKEF[Gln378Arg]PFLKKWYRVI